The following is an entry in ClinVar:

ClinVar aggregate classification (germline): Uncertain significance (1 of 4 stars; one submission).

Submission:

GeneDx
Classification: Uncertain significance. Last evaluated: 2024-11-26. Review status: criteria provided, single submitter. Criteria: GeneDx Variant Classification Process June 2021. Collection method: clinical testing. Allele origin: germline. Affected: yes.
Comment: Not observed at significant frequency in large population cohorts (gnomAD); In silico analysis supports that this missense variant has a deleterious effect on protein structure/function; Has not been previously published as pathogenic or benign to our knowledge

NM_000540.3(RYR1):c.6176T>C (p.Leu2059Pro)

Gene: RYR1 (ryanodine receptor 1; plus strand). Cytogenetic location: 19q13.2.
Variant type: single nucleotide variant.
Coding change: c.6176T>C on transcript NM_000540.3 (MANE Select); coding-DNA position 6176, T replaced by C.
Protein change: p.Leu2059Pro; replaces leucine 2059 with proline.
Molecular consequence: missense variant.
Genome position (GRCh38, 1-based): chr19:38,492,538, T>C. VCF-style: chr19-38492538-T-C. GRCh37 (hg19) VCF-style: chr19-38983178-T-C.
Other names: c.6176T>C, p.Leu2059Pro (NM_001042723.2); short protein forms L2059P.
Identifiers: ClinVar variation 3900838 (VCV003900838.1).